The following is an entry in ClinVar:

ClinVar aggregate classification (germline): Uncertain significance (1 of 4 stars; one submission).

Allele frequency attached by ClinVar (database versions not stated): gnomAD 0.00001; TOPMed 0.00002.

Submission:

Labcorp Genetics (formerly Invitae), Labcorp
Classification: Uncertain significance. Last evaluated: 2023-12-21. Review status: criteria provided, single submitter. Criteria: Invitae Variant Classification Sherloc (09022015). Collection method: clinical testing. Allele origin: germline.
Comment: This sequence change creates a premature translational stop signal (p.Met1104Valfs*6) in the NIN gene. It is expected to result in an absent or disrupted protein product. However, the current clinical and genetic evidence is not sufficient to establish whether loss-of-function variants in NIN cause disease. This variant is not present in population databases (gnomAD no frequency). This variant has not been reported in the literature in individuals affected with NIN-related conditions. In summary, the available evidence is currently insufficient to determine the role of this variant in disease. Therefore, it has been classified as a Variant of Uncertain Significance.

NM_020921.4(NIN):c.3310_3311del (p.Met1104fs)

Gene: NIN (ninein; minus strand). Cytogenetic location: 14q22.1.
Variant type: Deletion.
Coding change: c.3310_3311del on transcript NM_020921.4 (MANE Select); coding-DNA positions 3310 to 3311, 2 bases deleted (AT; older notation c.3310_3311delAT).
Protein change: p.Met1104fs; shifts the reading frame from methionine 1104.
Molecular consequence: frameshift variant. On other transcripts: intron variant (1).
Genome position (GRCh38, 1-based): chr14:50,757,719-50,757,720, AT deleted on the plus strand (AT on the coding strand, the reverse complement: NIN is on the minus strand). VCF-style (leftmost placement, unchanged base first): chr14-50757718-CAT-C. GRCh37 (hg19) VCF-style: chr14-51224436-CAT-C.
Other names: c.3310_3311del, p.Met1104fs (NM_182944.3, NM_182946.2); c.2399+2137_2399+2138del (NM_016350.5); short protein forms M1104fs.
Identifiers: ClinVar variation 2696793 (VCV002696793.3), dbSNP rs1163126312, ClinGen allele CA706602446.